The following is an entry in ClinVar:

ClinVar aggregate classification (germline): Uncertain significance (1 of 4 stars; one submission).

Conditions:
Inborn genetic diseases. Identifiers: MedGen C0950123, MeSH D030342.

Submission:

Ambry Genetics
Classification: Uncertain significance for Inborn genetic diseases. Last evaluated: 2022-08-16. Review status: criteria provided, single submitter. Criteria: Ambry Variant Classification Scheme 2023. Collection method: clinical testing. Allele origin: germline.
Comment: The p.L112R variant (also known as c.335T>G), located in coding exon 3 of the LRRK2 gene, results from a T to G substitution at nucleotide position 335. The leucine at codon 112 is replaced by arginine, an amino acid with dissimilar properties. This amino acid position is conserved. In addition, the in silico prediction for this alteration is inconclusive. Since supporting evidence is limited at this time, the clinical significance of this alteration remains unclear.

NM_198578.4(LRRK2):c.335T>G (p.Leu112Arg)

Gene: LRRK2 (leucine rich repeat kinase 2; plus strand). Cytogenetic location: 12q12.
Variant type: single nucleotide variant.
Coding change: c.335T>G on transcript NM_198578.4 (MANE Select); coding-DNA position 335, T replaced by G.
Protein change: p.Leu112Arg; replaces leucine 112 with arginine.
Molecular consequence: missense variant.
Genome position (GRCh38, 1-based): chr12:40,232,371, T>G. VCF-style: chr12-40232371-T-G. GRCh37 (hg19) VCF-style: chr12-40626173-T-G.
Other names: short protein forms L112R.
Identifiers: ClinVar variation 1730605 (VCV001730605.2), dbSNP rs2499381976, ClinGen allele CA384401741.
Genomic context (GRCh38, chr12:40,232,371, plus strand): 5'-GTCCAGGTACAATGCAAAGCTTAATGGGACCCCAGGATGTTGGAAATGATTGGGAAGTCC[T>G]TGGTGTTCACCAGTAAGTATGATAGATATGTAAAACAAATGGCCTTGAGTATTTATTTGT-3'
Protein context (NP_940980.4, residues 102-122): PQDVGNDWEV[Leu112Arg]GVHQLILKML